The following is an entry in ClinVar:

ClinVar aggregate classification (germline): Uncertain significance (1 of 4 stars; one submission).

Submission:

GeneDx
Classification: Uncertain significance. Last evaluated: 2025-04-30. Review status: criteria provided, single submitter. Criteria: GeneDx Variant Classification Process June 2021. Collection method: clinical testing. Allele origin: germline. Affected: yes.
Comment: Not observed at significant frequency in large population cohorts (gnomAD); In silico analysis indicates that this missense variant does not alter protein structure/function; Has not been previously published as pathogenic or benign to our knowledge

NM_021956.5(GRIK2):c.907G>A (p.Ala303Thr)

Gene: GRIK2 (glutamate ionotropic receptor kainate type subunit 2; plus strand). Cytogenetic location: 6q16.3.
Variant type: single nucleotide variant.
Coding change: c.907G>A on transcript NM_021956.5 (MANE Select); coding-DNA position 907, G replaced by A.
Protein change: p.Ala303Thr; replaces alanine 303 with threonine.
Molecular consequence: missense variant.
Genome position (GRCh38, 1-based): chr6:101,686,309, G>A. VCF-style: chr6-101686309-G-A. GRCh37 (hg19) VCF-style: chr6-102134184-G-A.
Other names: c.907G>A, p.Ala303Thr (NM_001166247.1, NM_175768.3); short protein forms A303T.
Identifiers: ClinVar variation 4527861 (VCV004527861.1).